The following is an entry in ClinVar:

NM_001005242.3(PKP2):c.1002_1003del (p.Arg336fs)

Gene: PKP2 (plakophilin 2; minus strand). Cytogenetic location: 12p11.21.
Variant type: Deletion.
Coding change: c.1002_1003del on transcript NM_001005242.3 (MANE Select); coding-DNA positions 1002 to 1003, 2 bases deleted (TG; older notation c.1002_1003delTG).
Protein change: p.Arg336fs; shifts the reading frame from arginine 336.
Molecular consequence: frameshift variant.
Genome position (GRCh38, 1-based): chr12:32,877,877-32,877,878, CA deleted on the plus strand (TG on the coding strand, the reverse complement: PKP2 is on the minus strand). VCF-style (leftmost placement, unchanged base first): chr12-32877876-TCA-T. GRCh37 (hg19) VCF-style: chr12-33030810-TCA-T.
Other names: c.1002_1003delTG, p.Arg336Lysfs (NM_001407155.1, NM_001407156.1, NM_001407157.1 and 1 more transcripts); c.675_676delTG, p.Arg227Lysfs (NM_001407158.1, NM_001407159.1, NM_001407160.1 and 1 more transcripts); c.1002_1003del, p.Arg336fs (NM_004572.4); short protein forms R336fs.
Identifiers: ClinVar variation 2032127 (VCV002032127.4), dbSNP rs2541337920, ClinGen allele CA2580085405.

ClinVar aggregate classification (germline): Pathogenic (1 of 4 stars; one submission).

Conditions:
Arrhythmogenic right ventricular dysplasia 9 (ARVD9). Also called: ARRHYTHMOGENIC RIGHT VENTRICULAR DYSPLASIA, FAMILIAL, 9; Arrhythmogenic Right Ventricular Dysplasia/Cardiomyopathy 9. Identifiers: MedGen C1836906, MONDO:0012180, OMIM 609040.

Submission:

Labcorp Genetics (formerly Invitae), Labcorp
Classification: Pathogenic for Arrhythmogenic right ventricular dysplasia 9. Last evaluated: 2023-03-08. Review status: criteria provided, single submitter. Criteria: Invitae Variant Classification Sherloc (09022015). Collection method: clinical testing. Allele origin: germline.
Comment: ClinVar contains an entry for this variant (Variation ID: 2032127). This variant has not been reported in the literature in individuals affected with PKP2-related conditions. This variant is not present in population databases (gnomAD no frequency). This sequence change creates a premature translational stop signal (p.Arg336Lysfs*5) in the PKP2 gene. It is expected to result in an absent or disrupted protein product. Loss-of-function variants in PKP2 are known to be pathogenic (PMID: 15489853, 23911551). For these reasons, this variant has been classified as Pathogenic.

Literature cited by the submitters: PubMed 15489853; PubMed 23911551.